The following is an entry in ClinVar:

NM_025137.4(SPG11):c.4110T>G (p.Asp1370Glu)

Gene: SPG11 (SPG11 vesicle trafficking associated, spatacsin; minus strand). Cytogenetic location: 15q21.1.
Variant type: single nucleotide variant.
Coding change: c.4110T>G on transcript NM_025137.4 (MANE Select); coding-DNA position 4110, T replaced by G.
Protein change: p.Asp1370Glu; replaces aspartic acid 1370 with glutamic acid.
Molecular consequence: missense variant.
Genome position (GRCh38, 1-based): chr15:44,596,835, A>C on the plus strand (T>G on the coding strand, the complement: SPG11 is on the minus strand). VCF-style: chr15-44596835-A-C. GRCh37 (hg19) VCF-style: chr15-44889033-A-C.
Other names: c.4110T>G, p.Asp1370Glu (NM_001160227.2, NM_001411132.1); short protein forms D1370E.
Identifiers: ClinVar variation 4740727 (VCV004740727.1).

ClinVar aggregate classification (germline): Uncertain significance (1 of 4 stars; one submission).

Conditions:
Hereditary spastic paraplegia 11. Also called: Spastic paraplegia, mental retardation and thin corpus callosum; SPASTIC PARAPLEGIA, AUTOSOMAL RECESSIVE, COMPLICATED, WITH THIN CORPUS CALLOSUM; SPASTIC PARAPLEGIA, AUTOSOMAL RECESSIVE, WITH MENTAL IMPAIRMENT AND THIN CORPUS CALLOSUM; Nakamura Osame syndrome; Autosomal recessive hereditary spastic paraplegia, mental impairment, and thin corpus callosum; Spastic Paraplegia 11. Identifiers: Orphanet 2822, MedGen C1858479, MONDO:0011445, OMIM 604360.

Submission:

Labcorp Genetics (formerly Invitae), Labcorp
Classification: Uncertain significance for Hereditary spastic paraplegia 11. Last evaluated: 2025-09-05. Review status: criteria provided, single submitter. Criteria: Invitae Variant Classification Sherloc (09022015). Collection method: clinical testing. Allele origin: germline.
Comment: This sequence change replaces aspartic acid, which is acidic and polar, with glutamic acid, which is acidic and polar, at codon 1370 of the SPG11 protein (p.Asp1370Glu). This variant is not present in population databases (gnomAD no frequency). This variant has not been reported in the literature in individuals affected with SPG11-related conditions. Invitae Evidence Modeling of protein sequence and biophysical properties (such as structural, functional, and spatial information, amino acid conservation, physicochemical variation, residue mobility, and thermodynamic stability) indicates that this missense variant is not expected to disrupt SPG11 protein function with a negative predictive value of 80%. In summary, the available evidence is currently insufficient to determine the role of this variant in disease. Therefore, it has been classified as a Variant of Uncertain Significance.